The following is an entry in ClinVar:

NM_000059.4(BRCA2):c.1888A>G (p.Thr630Ala)

Gene: BRCA2 (BRCA2 DNA repair associated; plus strand). Cytogenetic location: 13q13.1.
Variant type: single nucleotide variant.
Coding change: c.1888A>G on transcript NM_000059.4 (MANE Select); coding-DNA position 1888, A replaced by G.
Protein change: p.Thr630Ala; replaces threonine 630 with alanine.
Molecular consequence: missense variant.
Genome position (GRCh38, 1-based): chr13:32,333,366, A>G. VCF-style: chr13-32333366-A-G. GRCh37 (hg19) VCF-style: chr13-32907503-A-G.
Other names: short protein forms T630A.
Identifiers: ClinVar variation 462245 (VCV000462245.32), dbSNP rs1335307553, ClinGen allele CA387766739.

ClinVar aggregate classification (germline): Conflicting classifications of pathogenicity. Review status: criteria provided, conflicting classifications (1 of 4 stars). 9 submissions from 9 submitters: Uncertain significance (7); Likely benign (2). Last evaluated 2025-09-29.

Conditions:
Hereditary cancer-predisposing syndrome. Also called: Hereditary neoplastic syndrome; Neoplastic Syndromes, Hereditary; Tumor predisposition; Hereditary Cancer Syndrome. Identifiers: Orphanet 140162, MedGen C0027672, MeSH D009386, MONDO:0015356.
Breast-ovarian cancer, familial, susceptibility to, 2 (BROVCA2). Also called: BRCA2 Hereditary Breast and Ovarian Cancer. Identifiers: Orphanet 145, MedGen C2675520, MONDO:0012933, OMIM 612555. Disease mechanism: loss of function.
Familial cancer of breast. Also called: BREAST CANCER, FAMILIAL; hereditary breast carcinoma; Hereditary breast cancer. Identifiers: Orphanet 227535, MedGen C0346153, MONDO:0016419, OMIM 114480. Disease mechanism: loss of function.
Hereditary breast ovarian cancer syndrome. Also called: Hereditary breast and/or ovarian cancer syndrome; BRCA1- and BRCA2-Associated Hereditary Breast and Ovarian Cancer; Hereditary breast and ovarian cancer; Breast and ovarian cancer; Hereditary breast and ovarian cancer syndrome; Hereditary breast and ovarian cancer syndrome (HBOC). Identifiers: Orphanet 145, MedGen C0677776, MeSH D061325, MONDO:0003582. Disease mechanism: loss of function.

Allele frequency attached by ClinVar (database versions not stated): gnomAD 0.00001; TOPMed 0.00001.
gnomAD v4.1: 2 of 1,609,496 alleles (0.00012%); highest among the groups gnomAD compares: Non-Finnish European, 0.000085%; no homozygotes.

Submissions (9):

Women's Health and Genetics/Laboratory Corporation of America, LabCorp
Classification: Uncertain significance. Last evaluated: 2025-09-29. Review status: criteria provided, single submitter. Criteria: LabCorp Variant Classification Summary - May 2015. Collection method: clinical testing. Allele origin: germline.
Comment: Variant summary: BRCA2 c.1888A>G (p.Thr630Ala) results in a non-conservative amino acid change in the encoded protein sequence. Algorithms developed to predict the effect of missense changes on protein structure and function are either unavailable or do not agree on the potential impact of this missense change. The variant was absent in 240976 control chromosomes. The available data on variant occurrences in the general population are insufficient to allow any conclusion about variant significance. c.1888A>G has been observed in at least 2 individual(s) in a cohort undergoing genetic testing for Hereditary Breast And Ovarian Cancer Syndrome (Azzollini_2016) without strong evidence for causality. These report(s) do not provide unequivocal conclusions about association of the variant with Hereditary Breast And Ovarian Cancer Syndrome. To our knowledge, no experimental evidence demonstrating an impact on protein function has been reported. The following publication have been ascertained in the context of this evaluation (PMID: 27062684). ClinVar contains an entry for this variant (Variation ID: 462245). Based on the evidence outlined above, the variant was classified as uncertain significance.

Labcorp Genetics (formerly Invitae), Labcorp
Classification: Uncertain significance for Hereditary breast ovarian cancer syndrome. Last evaluated: 2025-02-18. Review status: criteria provided, single submitter. Criteria: Invitae Variant Classification Sherloc (09022015). Collection method: clinical testing. Allele origin: germline.
Comment: This sequence change replaces threonine, which is neutral and polar, with alanine, which is neutral and non-polar, at codon 630 of the BRCA2 protein (p.Thr630Ala). This variant is not present in population databases (gnomAD no frequency). This missense change has been observed in individual(s) with personal or family history of breast and/or ovarian cancer (PMID: 27062684). ClinVar contains an entry for this variant (Variation ID: 462245). Invitae Evidence Modeling of protein sequence and biophysical properties (such as structural, functional, and spatial information, amino acid conservation, physicochemical variation, residue mobility, and thermodynamic stability) indicates that this missense variant is not expected to disrupt BRCA2 protein function with a negative predictive value of 95%. In summary, the available evidence is currently insufficient to determine the role of this variant in disease. Therefore, it has been classified as a Variant of Uncertain Significance.

Ambry Genetics
Classification: Likely benign for Hereditary cancer-predisposing syndrome. Last evaluated: 2024-09-28. Review status: criteria provided, single submitter. Criteria: Ambry Variant Classification Scheme 2023. Collection method: clinical testing. Allele origin: germline.

GeneDx
Classification: Uncertain significance. Last evaluated: 2023-12-07. Review status: criteria provided, single submitter. Criteria: GeneDx Variant Classification Process June 2021. Collection method: clinical testing. Allele origin: germline. Affected: yes.
Comment: Not observed at significant frequency in large population cohorts (gnomAD); In silico analysis supports that this missense variant does not alter protein structure/function; Observed in individuals with breast and/or ovarian cancer (PMID: 27062684); Also known as 2116A>G; This variant is associated with the following publications: (PMID: 29884841, 32377563, 27062684)

University of Washington Department of Laboratory Medicine, University of Washington
Classification: Likely benign for Hereditary cancer-predisposing syndrome. Last evaluated: 2023-03-23. Review status: criteria provided, single submitter. Criteria: Dines et al. (Genet Med. 2020). Collection method: curation. Allele origin: germline.
Comment: Missense variant in a coldspot region where missense variants are very unlikely to be pathogenic (PMID:31911673).

BRCA2 exon 10 coldspot. Reclassification based on statistical prior probability.

Department of Pathology and Laboratory Medicine, Sinai Health System
Classification: Uncertain significance for Familial cancer of breast; Breast-ovarian cancer, familial, susceptibility to, 2. Last evaluated: 2023-01-31. Review status: criteria provided, single submitter. Criteria: ACMG Guidelines, 2015. Collection method: clinical testing. Allele origin: germline. Affected: yes.

Institute for Clinical Genetics, University Hospital TU Dresden, University Hospital TU Dresden
Classification: Uncertain significance. Last evaluated: 2021-11-03. Review status: criteria provided, single submitter. Criteria: ACMG Guidelines, 2015. Collection method: clinical testing. Allele origin: germline.

ARUP Laboratories, Molecular Genetics and Genomics, ARUP Laboratories
Classification: Uncertain significance. Last evaluated: 2020-01-23. Review status: criteria provided, single submitter. Criteria: ARUP Molecular Germline Variant Investigation Process. Collection method: clinical testing. Allele origin: germline.
Comment: The BRCA2 c.1888A>G; p.Thr630Ala variant (rs1335307553) is reported in the literature in individuals with a personal or family history of breast and/or ovarian cancer, although an unspecified pathogenic variant was also identified in one individual (Azzollini 2106). This variant is reported in ClinVar (Variation ID: 462245), but is absent from general population databases (Exome Variant Server, Genome Aggregation Database), indicating it is not a common polymorphism. The threonine at codon 630 is weakly conserved, and computational analyses (SIFT: damaging, PolyPhen-2: benign) predict conflicting effects of this variant on protein structure/function. Due to limited information, the clinical significance of the p.Thr630Ala variant is uncertain at this time. References: Azzollini J et al. Mutation detection rates associated with specific selection criteria for BRCA1/2 testing in 1854 high-risk families: A monocentric Italian study. Eur J Intern Med. 2016 Jul;32:65-71.

Color Diagnostics, LLC DBA Color Health
Classification: Uncertain significance for Hereditary cancer-predisposing syndrome. Last evaluated: 2019-05-22. Review status: criteria provided, single submitter. Criteria: ACMG Guidelines, 2015. Collection method: clinical testing. Allele origin: germline.

Literature cited by the submitters: PubMed 27062684 (cited by 4 submitters).